The following is an entry in ClinVar:

ClinVar aggregate classification (germline): Uncertain significance (1 of 4 stars; one submission).

gnomAD v4.1: 6 of 1,614,160 alleles (0.00037%); highest among the groups gnomAD compares: East Asian, 0.0022%; no homozygotes.

Submissions (2):

GeneDx
Classification: Uncertain significance. Last evaluated: 2022-09-29. Review status: criteria provided, single submitter. Criteria: GeneDx Variant Classification Process June 2021. Collection method: clinical testing. Allele origin: germline. Affected: yes.
Comment: Nonsense variant predicted to result in protein truncation or nonsense mediated decay in a gene for which loss of function is a known mechanism of disease; Has not been previously published as pathogenic or benign to our knowledge

Dr. Peter K. Rogan Lab, Western University
No classification provided (evidence only). Condition: Familial prostate cancer. Review status: no classification provided. Collection method: in vitro. Allele origin: not applicable. Functional consequence: retained intron. Not counted in ClinVar's aggregate classification.

NM_000429.3(MAT1A):c.1027C>T (p.Arg343Ter)

Gene: MAT1A (methionine adenosyltransferase 1A; minus strand). Cytogenetic location: 10q22.3.
Variant type: single nucleotide variant.
Coding change: c.1027C>T on transcript NM_000429.3 (MANE Select); coding-DNA position 1027, C replaced by T.
Protein change: p.Arg343Ter; replaces arginine 343 with a stop codon.
Molecular consequence: nonsense.
Genome position (GRCh38, 1-based): chr10:80,274,578, G>A on the plus strand (C>T on the coding strand, the complement: MAT1A is on the minus strand). VCF-style: chr10-80274578-G-A. GRCh37 (hg19) VCF-style: chr10-82034334-G-A.
Other names: NC_000010.10:g.82034334G>A; short protein forms R343*.
Identifiers: ClinVar variation 2446538 (VCV002446538.2), dbSNP rs1456459077, ClinGen allele CA377360374.